The following is an entry in ClinVar:

ClinVar aggregate classification (germline): Uncertain significance. Review status: criteria provided, multiple submitters, no conflicts (2 of 4 stars). 5 submissions from 5 submitters: Uncertain significance (4). 1 of the submissions does not count toward it. Last evaluated 2024-05-26.

Conditions:
Inborn genetic diseases. Identifiers: MedGen C0950123, MeSH D030342.
Meckel-Gruber syndrome. Also called: Dysencephalia splachnocystica; DYSENCEPHALIA SPLANCHNOCYSTICA; GRUBER SYNDROME. Identifiers: Orphanet 564, MedGen C0265215, MONDO:0018921.
Joubert syndrome. Also called: Familial aplasia of the vermis; JOUBERT-BOLTSHAUSER SYNDROME. Identifiers: Orphanet 475, MedGen C5979921, MONDO:0018772.
Joubert syndrome 9 (JBTS9). Identifiers: Orphanet 2318, MedGen C2676788, MONDO:0012849, OMIM 612285.
Meckel syndrome, type 6. Identifiers: Orphanet 564, MedGen C2676790, MONDO:0012848, OMIM 612284.
Retinitis pigmentosa 93. Identifiers: MedGen C5676970, MONDO:0030797, OMIM 619845.
COACH syndrome 2. Identifiers: MedGen C5436837, MONDO:0030859, OMIM 619111.
CC2D2A-related disorder. Also called: CC2D2A-related disorders; CC2D2A-related condition. Identifiers: MedGen CN239313.

Allele frequency attached by ClinVar (database versions not stated): gnomAD exomes below 0.00001 and 0.00001; gnomAD 0.00001; TOPMed 0.00001; ExAC 0.00002.
gnomAD v4.1: 5 of 1,588,480 alleles (0.00031%); highest among the groups gnomAD compares: East Asian, 0.011%; no homozygotes.

Submissions (5):

Ambry Genetics
Classification: Uncertain significance for Inborn genetic diseases. Last evaluated: 2024-05-26. Review status: criteria provided, single submitter. Criteria: Ambry Variant Classification Scheme 2023. Collection method: clinical testing. Allele origin: germline.

Fulgent Genetics
Classification: Uncertain significance for Meckel syndrome, type 6; Joubert syndrome 9; COACH syndrome 2; Retinitis pigmentosa 93. Last evaluated: 2024-02-11. Review status: criteria provided, single submitter. Criteria: ACMG Guidelines, 2015. Collection method: clinical testing. Allele origin: germline.

Labcorp Genetics (formerly Invitae), Labcorp
Classification: Uncertain significance for Joubert syndrome; Meckel-Gruber syndrome. Last evaluated: 2022-04-10. Review status: criteria provided, single submitter. Criteria: Invitae Variant Classification Sherloc (09022015). Collection method: clinical testing. Allele origin: germline.
Comment: This sequence change replaces proline, which is neutral and non-polar, with threonine, which is neutral and polar, at codon 3 of the CC2D2A protein (p.Pro3Thr). The frequency data for this variant in the population databases is considered unreliable, as metrics indicate poor data quality at this position in the gnomAD database. This variant has not been reported in the literature in individuals affected with CC2D2A-related conditions. ClinVar contains an entry for this variant (Variation ID: 593657). Advanced modeling of protein sequence and biophysical properties (such as structural, functional, and spatial information, amino acid conservation, physicochemical variation, residue mobility, and thermodynamic stability) performed at Invitae indicates that this missense variant is not expected to disrupt CC2D2A protein function. In summary, the available evidence is currently insufficient to determine the role of this variant in disease. Therefore, it has been classified as a Variant of Uncertain Significance.

Eurofins Ntd Llc (ga)
Classification: Uncertain significance. Last evaluated: 2018-08-10. Review status: criteria provided, single submitter. Criteria: EGL ClinVar v180209 classification definitions. Collection method: clinical testing. Allele origin: germline. Observed: 2 variant alleles, 2 heterozygotes.

PreventionGenetics, part of Exact Sciences
Classification: Uncertain significance for CC2D2A-related condition. Last evaluated: 2024-06-21. Review status: no assertion criteria provided. Collection method: clinical testing. Allele origin: germline. Not counted in ClinVar's aggregate classification.
Comment: The CC2D2A c.7C>A variant is predicted to result in the amino acid substitution p.Pro3Thr. To our knowledge, this variant has not been reported in the literature. This variant is reported in 0.018% of alleles in individuals of East Asian descent in gnomAD. At this time, the clinical significance of this variant is uncertain due to the absence of conclusive functional and genetic evidence.

NM_001378615.1(CC2D2A):c.7C>A (p.Pro3Thr)

Genes: CC2D2A (coiled-coil and C2 domain containing 2A; plus strand), FBXL5 (F-box and leucine rich repeat protein 5; minus strand). Cytogenetic location: 4p15.32.
Variant type: single nucleotide variant.
Coding change: c.7C>A on transcript NM_001378615.1 (MANE Select); coding-DNA position 7, C replaced by A.
Protein change: p.Pro3Thr; replaces proline 3 with threonine.
Molecular consequence: missense variant.
Genome position (GRCh38, 1-based): chr4:15,475,939, C>A. VCF-style: chr4-15475939-C-A. GRCh37 (hg19) VCF-style: chr4-15477563-C-A.
Other names: c.7C>A, p.Pro3Thr (NM_001080522.2, NM_001164720.3, NM_020785.2); short protein forms P3T.
Identifiers: ClinVar variation 593657 (VCV000593657.13), dbSNP rs745734694, ClinGen allele CA2863234.
Genomic context (GRCh38, chr4:15,475,939, plus strand): 5'-TTCAAAATGCCTGACTTCTTCATTGTTCTTTGTCAGGGACCCATCCCAGCCAAAATGAAT[C>A]CCAGGGAAGAAAAAGTAAAAATAATTACAGAGGTAAGTGGCCACTTTGATGTCCTCTAGG-3'
Protein context (NP_001365544.1, residues 1-13): MN[Pro3Thr]REEKVKIITE